The following is an entry in ClinVar:

NM_001904.4(CTNNB1):c.98C>T (p.Ser33Phe)

Genes: CTNNB1 (catenin beta 1; plus strand), LOC126806658 (BRD4-independent group 4 enhancer GRCh37_chr3:41265899-41267098; plus strand). Cytogenetic location: 3p22.1.
Variant type: single nucleotide variant.
Coding change: c.98C>T on transcript NM_001904.4 (MANE Select); coding-DNA position 98, C replaced by T.
Protein change: p.Ser33Phe; replaces serine 33 with phenylalanine.
Molecular consequence: missense variant.
Genome position (GRCh38, 1-based): chr3:41,224,610, C>T. VCF-style: chr3-41224610-C-T. GRCh37 (hg19) VCF-style: chr3-41266101-C-T.
Other names: c.98C>T, p.Ser33Phe (NM_001098209.2, NM_001098210.2); c.77C>T, p.Ser26Phe (NM_001330729.2); short protein forms S33F, S26F.
Identifiers: ClinVar variation 17583 (VCV000017583.4), dbSNP rs121913400, ClinGen allele CA127275.

ClinVar aggregate classification (germline): Pathogenic; other. Review status: no assertion criteria provided (0 of 4 stars). 4 submissions from 3 submitters: Pathogenic (3). Last evaluated 2016-05-01.
ClinVar aggregate classification (somatic clinical impact): Tier I - Strong. Review status: criteria provided, single submitter (1 of 4 stars). 4 submissions from 1 submitter. 1 of the submissions does not count toward it. Last evaluated 2025-02-14.
ClinVar aggregate classification (oncogenicity): Oncogenic (1 of 4 stars; one submission).

Conditions:
Malignant tumor of urinary bladder. Also called: Bladder cancer; Urinary bladder cancer; Urinary Bladder Neoplasms. Identifiers: MedGen C0005684, MONDO:0001187, OMIM 109800.
Pilomatrixoma (PTR). Also called: EPITHELIOMA CALCIFICANS OF MALHERBE; PILOMATRICOMA; Pilomatricoma, somatic. Identifiers: Orphanet 91414, MedGen C0206711, MeSH D018296, MONDO:0007564, OMIM 132600, HP:0030434.
Medulloblastoma (MDB). Also called: Medulloblastoma, somatic; MEDULLOBLASTOMA PREDISPOSITION SYNDROME. Identifiers: Orphanet 616, MedGen C0025149, MeSH D008527, MONDO:0007959, OMIM 155255, HP:0002885.
Adrenal cortex neoplasm. Also called: Neoplasm of the adrenal cortex; ADRENAL CORTICAL NEOPLASM. Identifiers: MedGen C0001618, MONDO:0036591, HP:0100641.
Embryonal tumor with multilayered rosettes. Identifiers: Orphanet 656417, MedGen C5575350, MONDO:0958119.
Adamantinous craniopharyngioma. Identifiers: MedGen C0431129, MONDO:0002787.
Medulloblastoma WNT activated. Identifiers: MedGen C4331965, MONDO:0850196.
Rhabdomyosarcoma. Also called: Rhabdomyosarcoma (disease). Identifiers: Orphanet 780, MedGen C0035412, MeSH D012208, MONDO:0005212, HP:0002859.
Neoplasm. Also called: tumor; Neoplasms; Neoplasm (disease). Identifiers: MedGen C0027651, MeSH D009369, MONDO:0005070, HP:0002664.

Submissions (9):

Center for Genomic Medicine, Rigshospitalet, Copenhagen University Hospital
Classification: Oncogenic for Neoplasm. Last evaluated: 2025-03-04. Review status: criteria provided, single submitter. Criteria: ClinGen/CGC/VICC Guidelines for Oncogenicity, 2022. Collection method: clinical testing. Allele origin: somatic. Affected: yes.

Institute for Genomic Medicine (IGM) Clinical Laboratory, Nationwide Children's Hospital
Classification: Tier I - Strong for Adamantinous craniopharyngioma. Assertion type: diagnostic. Clinical significance: supports diagnosis. Last evaluated: 2025-02-14. Review status: criteria provided, single submitter. Criteria: AMP/ASCO/CAP Guidelines, 2017. Collection method: clinical testing. Allele origin: somatic. Affected: yes.
Comment: Variant has Tier I (strong) clinical significance as a diagnostic inclusion criterion in adamantinous craniopharyngioma, based on the following evidence: 1) Documented in one or more cancer databases (e.g., St. Jude Pecan, COSMIC, CIViC, OncoKB). 2) Appears in one or more well-established professional guidelines (e.g., World Health Organization [WHO]; National Comprehensive Cancer Network [NCCN]) as providing diagnostic, prognostic, or therapeutic information. 3) Information in the literature supports potential biologic effect of variant (PMIDs: 29435196, 30699286). 4) Diagnostic for a specific tumor type/classification according to professional guidelines (Evidence Level A; PMIDs: 12466115, 24413733, 28069929, 38421446, 34922552).

Institute for Genomic Medicine (IGM) Clinical Laboratory, Nationwide Children's Hospital
Classification: Tier I - Strong for Medulloblastoma WNT activated. Assertion type: diagnostic. Clinical significance: supports diagnosis. Last evaluated: 2024-06-20. Review status: criteria provided, single submitter. Criteria: AMP/ASCO/CAP Guidelines, 2017. Collection method: clinical testing. Allele origin: somatic. Affected: yes.
Comment: Variant has Tier I (strong) clinical significance as a diagnostic inclusion criterion in medulloblastoma WNT activated, based on the following evidence: 1) Documented in one or more cancer databases (e.g., St. Jude Pecan, COSMIC, CIViC, OncoKB). 2) Appears in one or more well-established professional guidelines (e.g., World Health Organization [WHO]; National Comprehensive Cancer Network [NCCN]) as providing diagnostic, prognostic, or therapeutic information. 3) Information in the literature supports potential biologic effect of variant (PMIDs: 29435196, 30699286). 4) Diagnostic for a specific tumor type/classification according to professional guidelines (Evidence Level A; PMIDs: 21163964, 22832581, 28726821, 22832583, 22722829, 22820256).

Institute for Genomic Medicine (IGM) Clinical Laboratory, Nationwide Children's Hospital
Classification: Tier II - Potential for Rhabdomyosarcoma. Assertion type: diagnostic. Clinical significance: supports diagnosis. Last evaluated: 2023-12-15. Review status: criteria provided, single submitter. Criteria: AMP/ASCO/CAP Guidelines, 2017. Collection method: clinical testing. Allele origin: somatic. Affected: yes. Not counted in ClinVar's aggregate classification.
Comment: Variant has Tier II (potential) clinical significance as a diagnostic inclusion criterion in rhabdomyosarcoma, based on the following evidence: 1) Diagnostic significance based on multiple small studies (Evidence Level C; PMIDs: 24436047, 24332040, 22142829).

Institute for Genomic Medicine (IGM) Clinical Laboratory, Nationwide Children's Hospital
Classification: Tier I - Strong for Embryonal tumor with multilayered rosettes. Assertion type: diagnostic. Clinical significance: supports diagnosis. Last evaluated: 2023-03-28. Review status: criteria provided, single submitter. Criteria: AMP/ASCO/CAP Guidelines, 2017. Collection method: clinical testing. Allele origin: somatic. Affected: yes.
Comment: Variant has Tier I (strong) clinical significance as a diagnostic inclusion criterion in embryonal tumor with multilayered rosettes, based on the following evidence: 1) Documented in one or more cancer databases (e.g., St. Jude Pecan, COSMIC, CIViC, OncoKB). 2) Appears in one or more well-established professional guidelines (e.g., World Health Organization [WHO]; National Comprehensive Cancer Network [NCCN]) as providing diagnostic, prognostic, or therapeutic information. 3) Information in the literature supports potential biologic effect of variant (PMIDs: 27543871, 29435196). 4) Diagnostic for a specific tumor type/classification based on well-powered studies with expert-level consensus (Evidence Level B; PMIDs: 31802000, 32601913).

Donald Williams Parsons Laboratory, Baylor College of Medicine
Classification: other for ADRENAL CORTICAL NEOPLASM. Last evaluated: 2016-05-01. Review status: no assertion criteria provided. Collection method: clinical testing. Allele origin: somatic. Inheritance: Somatic mutation. Affected: yes. Study: CSER-BASIC3.

OMIM
Classification: Pathogenic for PILOMATRICOMA, SOMATIC. Last evaluated: 2000-02-01. Review status: no assertion criteria provided. Collection method: literature only. Allele origin: somatic.

OMIM
Classification: Pathogenic for MEDULLOBLASTOMA, SOMATIC. Last evaluated: 2000-02-01. Review status: no assertion criteria provided. Collection method: literature only. Allele origin: somatic.

Laboratory of Urology, Hospital Clinic de Barcelona
Classification: Pathogenic for Malignant tumor of urinary bladder. Review status: no assertion criteria provided. Collection method: research. Allele origin: somatic. Affected: yes.

Literature cited by the submitters: PubMed 10597262 (cited by Center for Genomic Medicine, Rigshospitalet, Copenhagen University Hospital); PubMed 10213482 (cited by Center for Genomic Medicine, Rigshospitalet, Copenhagen University Hospital); PubMed 27543871 (cited by Center for Genomic Medicine, Rigshospitalet, Copenhagen University Hospital and Institute for Genomic Medicine (IGM) Clinical Laboratory, Nationwide Children's Hospital); PubMed 31857074 (cited by Center for Genomic Medicine, Rigshospitalet, Copenhagen University Hospital); PubMed 29435196 (cited by Institute for Genomic Medicine (IGM) Clinical Laboratory, Nationwide Children's Hospital); PubMed 30699286 (cited by Institute for Genomic Medicine (IGM) Clinical Laboratory, Nationwide Children's Hospital); PubMed 12466115 (cited by Institute for Genomic Medicine (IGM) Clinical Laboratory, Nationwide Children's Hospital); PubMed 24413733 (cited by Institute for Genomic Medicine (IGM) Clinical Laboratory, Nationwide Children's Hospital); PubMed 28069929 (cited by Institute for Genomic Medicine (IGM) Clinical Laboratory, Nationwide Children's Hospital); PubMed 38421446 (cited by Institute for Genomic Medicine (IGM) Clinical Laboratory, Nationwide Children's Hospital); PubMed 34922552 (cited by Institute for Genomic Medicine (IGM) Clinical Laboratory, Nationwide Children's Hospital); PubMed 21163964 (cited by Institute for Genomic Medicine (IGM) Clinical Laboratory, Nationwide Children's Hospital); PubMed 22832581 (cited by Institute for Genomic Medicine (IGM) Clinical Laboratory, Nationwide Children's Hospital); PubMed 28726821 (cited by Institute for Genomic Medicine (IGM) Clinical Laboratory, Nationwide Children's Hospital); PubMed 22832583 (cited by Institute for Genomic Medicine (IGM) Clinical Laboratory, Nationwide Children's Hospital); PubMed 22722829 (cited by Institute for Genomic Medicine (IGM) Clinical Laboratory, Nationwide Children's Hospital); PubMed 22820256 (cited by Institute for Genomic Medicine (IGM) Clinical Laboratory, Nationwide Children's Hospital); PubMed 24436047 (cited by Institute for Genomic Medicine (IGM) Clinical Laboratory, Nationwide Children's Hospital); PubMed 24332040 (cited by Institute for Genomic Medicine (IGM) Clinical Laboratory, Nationwide Children's Hospital); PubMed 22142829 (cited by Institute for Genomic Medicine (IGM) Clinical Laboratory, Nationwide Children's Hospital); PubMed 31802000 (cited by Institute for Genomic Medicine (IGM) Clinical Laboratory, Nationwide Children's Hospital); PubMed 32601913 (cited by Institute for Genomic Medicine (IGM) Clinical Laboratory, Nationwide Children's Hospital); PubMed 26822237 (cited by Donald Williams Parsons Laboratory, Baylor College of Medicine); PubMed 10192393 (cited by OMIM); PubMed 10666372 (cited by OMIM).